The following is an entry in ClinVar:

NM_004370.6(COL12A1):c.9182-1G>C

Gene: COL12A1 (collagen type XII alpha 1 chain; minus strand). Cytogenetic location: 6q13.
Variant type: single nucleotide variant.
Coding change: c.9182-1G>C on transcript NM_004370.6 (MANE Select); the canonical splice acceptor site of the intron before coding-DNA position 9182, G replaced by C.
Molecular consequence: splice acceptor variant. On other transcripts: intron variant (2).
Genome position (GRCh38, 1-based): chr6:75,086,558, C>G on the plus strand (G>C on the coding strand, the complement: COL12A1 is on the minus strand). VCF-style: chr6-75086558-C-G. GRCh37 (hg19) VCF-style: chr6-75796274-C-G.
Other names: c.5689+1019G>C (NM_001424116.1); c.5690-1G>C (NM_080645.3); c.8909-1G>C (NM_001424115.1); c.9161-1G>C (NM_001424114.1); c.9181+1019G>C (NM_001424113.1).
Identifiers: ClinVar variation 3760855 (VCV003760855.2).

ClinVar aggregate classification (germline): Uncertain significance (1 of 4 stars; one submission).

Conditions:
Ullrich congenital muscular dystrophy 2 (UCMD2). Identifiers: Orphanet 75840, MedGen C4225314, MONDO:0014654, OMIM 616470.
Bethlem myopathy 2 (BTHLM2). Identifiers: Orphanet 536516, Orphanet 610, MedGen C4225313, MONDO:0034022, OMIM 616471.

Submission:

Labcorp Genetics (formerly Invitae), Labcorp
Classification: Uncertain significance for Bethlem myopathy 2; Ullrich congenital muscular dystrophy 2. Last evaluated: 2024-10-16. Review status: criteria provided, single submitter. Criteria: Invitae Variant Classification Sherloc (09022015). Collection method: clinical testing. Allele origin: germline.
Comment: This sequence change affects an acceptor splice site in intron 65 of the COL12A1 gene. While this variant is not anticipated to result in nonsense mediated decay, it likely alters RNA splicing and results in a disrupted protein product. This variant is not present in population databases (gnomAD no frequency). This variant has not been reported in the literature in individuals affected with COL12A1-related conditions. Variants that disrupt the consensus splice site are a relatively common cause of aberrant splicing (PMID: 17576681, 9536098). Algorithms developed to predict the effect of sequence changes on RNA splicing suggest that this variant may disrupt the consensus splice site. In summary, the available evidence is currently insufficient to determine the role of this variant in disease. Therefore, it has been classified as a Variant of Uncertain Significance.

Literature cited by the submitters: PubMed 17576681; PubMed 9536098.